The following is an entry in ClinVar:

NM_000701.8(ATP1A1):c.3019C>T (p.Leu1007Phe)

Genes: ATP1A1 (ATPase Na+/K+ transporting subunit alpha 1; plus strand), ATP1A1-AS1 (ATP1A1 antisense RNA 1; minus strand). Cytogenetic location: 1p13.1.
Variant type: single nucleotide variant.
Coding change: c.3019C>T on transcript NM_000701.8 (MANE Select); coding-DNA position 3019, C replaced by T.
Protein change: p.Leu1007Phe; replaces leucine 1007 with phenylalanine.
Molecular consequence: missense variant.
Genome position (GRCh38, 1-based): chr1:116,403,951, C>T. VCF-style: chr1-116403951-C-T. GRCh37 (hg19) VCF-style: chr1-116946573-C-T.
Other names: c.3019C>T (NM_001160233.1); c.3019C>T, p.Leu1007Phe (NM_001160233.2); c.2926C>T, p.Leu976Phe (NM_001160234.2); short protein forms L1007F, L976F.
Identifiers: ClinVar variation 4703588 (VCV004703588.2).

ClinVar aggregate classification (germline): Uncertain significance. Review status: criteria provided, multiple submitters, no conflicts (2 of 4 stars). 2 submissions from 2 submitters: Uncertain significance (2). Last evaluated 2026-01-05.

Conditions:
Inborn genetic diseases. Identifiers: MedGen C0950123, MeSH D030342.

gnomAD v4.1: 1 of 1,614,242 alleles (0.000062%); highest among the groups gnomAD compares: Admixed American, 0.0017%; no homozygotes.

Submissions (2):

Ambry Genetics
Classification: Uncertain significance for Inborn genetic diseases. Last evaluated: 2026-01-05. Review status: criteria provided, single submitter. Criteria: Ambry Variant Classification Scheme 2023. Collection method: clinical testing. Allele origin: germline.

Labcorp Genetics (formerly Invitae), Labcorp
Classification: Uncertain significance. Last evaluated: 2025-06-18. Review status: criteria provided, single submitter. Criteria: Invitae Variant Classification Sherloc (09022015). Collection method: clinical testing. Allele origin: germline.
Comment: This sequence change replaces leucine, which is neutral and non-polar, with phenylalanine, which is neutral and non-polar, at codon 1007 of the ATP1A1 protein (p.Leu1007Phe). This variant is not present in population databases (gnomAD no frequency). This variant has not been reported in the literature in individuals affected with ATP1A1-related conditions. Invitae Evidence Modeling of protein sequence and biophysical properties (such as structural, functional, and spatial information, amino acid conservation, physicochemical variation, residue mobility, and thermodynamic stability) indicates that this missense variant is not expected to disrupt ATP1A1 protein function with a negative predictive value of 95%. In summary, the available evidence is currently insufficient to determine the role of this variant in disease. Therefore, it has been classified as a Variant of Uncertain Significance.